The following is an entry in ClinVar:

ClinVar aggregate classification (germline): Pathogenic. Review status: criteria provided, multiple submitters, no conflicts (2 of 4 stars). 39 submissions from 35 submitters: Pathogenic (29). 10 of the submissions do not count toward it. Last evaluated 2026-07-01.

Conditions:
Hereditary macular dystrophy. Also called: Genetic macular dystrophy. Identifiers: MedGen C0339508, MONDO:0020242.
CRB1-related disorder. Also called: CRB1-related condition; CRB1-related disorders.
Leber congenital amaurosis 8 (LCA8). Identifiers: Orphanet 65, MedGen C3151202, MONDO:0013453, OMIM 613835.
Retinitis pigmentosa 12 (RP12). Also called: RP WITH OR WITHOUT PPRPE; RP WITH OR WITHOUT PRESERVED PARAARTERIOLE RETINAL PIGMENT EPITHELIUM; RETINITIS PIGMENTOSA WITH OR WITHOUT PARAARTERIOLAR PRESERVATION OF RETINAL PIGMENT EPITHELIUM. Identifiers: Orphanet 791, MedGen C1838647, MONDO:0010818, OMIM 600105.
Retinal dystrophy. Also called: Inherited retinal dystrophy. Identifiers: Orphanet 71862, MedGen C0854723, MeSH D058499, MONDO:0019118, HP:0000556.
Pigmented paravenous retinochoroidal atrophy. Identifiers: Orphanet 251295, MedGen C1868310, MONDO:0008246, OMIM 172870.
Leber congenital amaurosis (LCA). Also called: Leber's amaurosis. Identifiers: Orphanet 65, MedGen C0339527, MeSH D057130, MONDO:0018998.
Retinitis pigmentosa (RP). Identifiers: Orphanet 791, MedGen C0035334, MeSH D012174, MONDO:0019200, OMIM 268000. Inheritance: Autosomal dominant, autosomal recessive and X linked inheritance.
Retinal disorder. Also called: Retinopathies; Retinal Diseases; Retinopathy; Retinal disorders. Identifiers: MedGen C0035309, MONDO:0005283, HP:0000488.
Cone dystrophy. Identifiers: Orphanet 1871, MedGen C0730290, MONDO:0000455.

Allele frequency attached by ClinVar (database versions not stated): gnomAD exomes 0.00021 and 0.00035; TOPMed 0.00023; ESP Exome Variant Server 0.00023; gnomAD 0.00013; ExAC 0.00021.
gnomAD v4.1: 538 of 1,611,346 alleles (0.033%); highest among the groups gnomAD compares: Non-Finnish European, 0.043%; 1 homozygote.

Submissions 1 to 15 of 39:

PreventionGenetics, part of Exact Sciences
Classification: Pathogenic for CRB1-related condition. Last evaluated: 2026-07-01. Review status: criteria provided, single submitter. Criteria: ACMG Guidelines, 2015. Collection method: clinical testing. Allele origin: germline.
Comment: The CRB1 c.2843G>A variant is predicted to result in the amino acid substitution p.Cys948Tyr. This variant has been reported in the homozygous and compound heterozygous states to be causative for retinal dystrophy (see examples: den Hollander et al. 1999. PubMed ID: 10508521; Lotery et al. 2001. PubMed ID: 11231775; Zaneveld et al. 2015. PubMed ID: 25474345; Table S1, Lin et al. 2024. PubMed ID: 38219857). This variant is present in 0.039% of alleles in individuals of European (Non-Finnish) descent in gnomAD. This variant is interpreted as pathogenic for autosomal recessive disease.

Labcorp Genetics (formerly Invitae), Labcorp
Classification: Pathogenic for Leber congenital amaurosis 8; Retinitis pigmentosa 12. Last evaluated: 2025-11-27. Review status: criteria provided, single submitter. Criteria: Invitae Variant Classification Sherloc (09022015). Collection method: clinical testing. Allele origin: germline.
Comment: This sequence change replaces cysteine, which is neutral and slightly polar, with tyrosine, which is neutral and polar, at codon 948 of the CRB1 protein (p.Cys948Tyr). This variant is present in population databases (rs62645748, gnomAD 0.04%). This missense change has been observed in individuals with Leber congenital amaurosis, early-onset retinal dystrophy, and retinitis pigmentosa (PMID: 10508521, 18055816, 19401883, 20956273, 23379534, 24512366, 27113771). It has also been observed to segregate with disease in related individuals. ClinVar contains an entry for this variant (Variation ID: 39614). An algorithm developed to predict the effect of missense changes on protein structure and function (PolyPhen-2) suggests that this variant is likely to be disruptive. Algorithms developed to predict the effect of sequence changes on RNA splicing suggest that this variant may disrupt the consensus splice site. For these reasons, this variant has been classified as Pathogenic.

Institute of Human Genetics Munich, TUM University Hospital
Classification: Pathogenic for Retinitis pigmentosa 12. Last evaluated: 2025-10-15. Review status: criteria provided, single submitter. Criteria: Classification criteria August 2017. Collection method: clinical testing. Allele origin: inherited. Inheritance: Autosomal recessive inheritance. Affected: yes. Observed: 1 variant allele.

Natera, Inc.
Classification: Pathogenic for Leber congenital amaurosis. Last evaluated: 2025-08-15. Review status: criteria provided, single submitter. Criteria: Natera Variant Classification Schema (03/2026). Collection method: clinical testing. Allele origin: germline.
Comment: The c.2843G>A variant in CRB1 is a missense variant predicted to cause substitution of cysteine to tyrosine at amino acid 948. This variant is rare in the general population with a frequency below the threshold expected for the associated phenotype(s). This variant has been observed in one or more individuals affected with the associated recessive disease, as either homozygous or compound heterozygous with a second variant (PMID: 32531858, 23379534). Given the available evidence, this variant is classified as Pathogenic.

Revvity Omics, Revvity
Classification: Pathogenic. Last evaluated: 2025-03-28. Review status: criteria provided, single submitter. Criteria: ACMG Guidelines, 2015. Collection method: clinical testing. Allele origin: germline.

3billion
Classification: Pathogenic for Leber congenital amaurosis 8. Last evaluated: 2024-12-13. Review status: criteria provided, single submitter. Criteria: ACMG Guidelines, 2015. Collection method: clinical testing. Allele origin: germline. Affected: yes.
Comment: The variant is observed at an extremely low frequency in the gnomAD v4.1.0 dataset (total allele frequency: 0.033%). Predicted Consequence/Location: Missense variant In silico tool predictions suggest damaging effect of the variant on gene or gene product [REVEL: 0.89 (>=0.6, sensitivity 0.68 and specificity 0.92); 3Cnet: 0.99 (>=0.6, sensitivity 0.72 and precision 0.9)]. The same nucleotide change resulting in the same amino acid change has been previously reported as pathogenic/likely pathogenic with strong evidence (ClinVar ID: VCV000039614 /PMID: 10508521 /3billion dataset). The variant has been reported to be in trans with a pathogenic variant as either compound heterozygous or homozygous in at least 4 similarly affected unrelated individuals (PMID: 10508521, 18055816, 19401883, 20956273). Different missense changes at the same codon (p.Cys948Arg, p.Cys948Gly) have been reported as pathogenic/likely pathogenic with strong evidence (ClinVar ID: VCV000427863, VCV002064249 /PMID: 28005958, 28714225). Therefore, this variant is classified as Pathogenic according to the recommendation of ACMG/AMP guideline.

Dasa
Classification: Pathogenic. Last evaluated: 2024-12-12. Review status: criteria provided, single submitter. Criteria: DASA Assertion Criteria. Collection method: clinical testing. Allele origin: germline.
Comment: NM_201253.3(CRB1):c.2843G>A (p.Cys948Tyr) is a missense variant that results in the substitution of cysteine with tyrosine. The affected residue or protein region has prior evidence supporting clinical relevance. This variant has been observed in affected individuals with related phenotype in a genotype context consistent with recessive disease (PMID: 30718709; PMID: 30576320; PMID: 27113771; PMID: 24512366; PMID: 26626312). This variant has been recurrently observed in individuals with related phenotype (PMID: 30718709; PMID: 30576320; PMID: 27113771; PMID: 24512366; PMID: 26626312). Multiple computational predictions support a deleterious effect on the gene or gene product. The variant is present at low frequency in population datasets. Based on the available data, this variant is classified as pathogenic.

Blueprint Genetics
Classification: Pathogenic for CRB1-related disorders. Last evaluated: 2024-11-22. Review status: criteria provided, single submitter. Criteria: ACMG Guidelines, 2015. Collection method: clinical testing. Allele origin: germline. Affected: yes. Observed: 5 variant alleles.

Baylor Genetics
Classification: Pathogenic for Leber congenital amaurosis 8. Last evaluated: 2024-03-28. Review status: criteria provided, single submitter. Criteria: ACMG Guidelines, 2015. Collection method: clinical testing. Allele origin: unknown.

Ophthalmic Genetics Group, Institute of Molecular and Clinical Ophthalmology Basel
Classification: Pathogenic for Leber congenital amaurosis. Last evaluated: 2023-07-24. Review status: criteria provided, single submitter. Criteria: ACMG Guidelines, 2015. Collection method: research. Allele origin: germline. Affected: yes. Observed: 1 variant allele.
Comment: Clinical significance based on ACMG v2.0

This variant was classified as Pathogenic based on ACMG criteria: PP5, PP3, PM2, PM5, PS4, PP2.

Ophthalmic Genetics Group, Institute of Molecular and Clinical Ophthalmology Basel
Classification: Pathogenic for Cone dystrophy. Last evaluated: 2023-07-24. Review status: criteria provided, single submitter. Criteria: ACMG Guidelines, 2015. Collection method: research. Allele origin: germline. Affected: yes. Observed: 1 variant allele.
Comment: the same text as in the submission from Ophthalmic Genetics Group, Institute of Molecular and Clinical Ophthalmology Basel above.

Greenwood Genetic Center Diagnostic Laboratories, Greenwood Genetic Center
Classification: Pathogenic for CRB1-related disorder. Last evaluated: 2023-05-01. Review status: criteria provided, single submitter. Criteria: ACMG Guidelines, 2015. Collection method: clinical testing. Allele origin: germline. Affected: yes.
Comment: PM1, PM2, PM3_Very Strong, PM5, PP3

Department of Pathology and Laboratory Medicine, Sinai Health System
Classification: Pathogenic for hereditary macular dystrophy. Last evaluated: 2023-04-11. Review status: criteria provided, single submitter. Criteria: ACMG Guidelines, 2015. Collection method: research. Allele origin: germline.

Genome-Nilou Lab
Classification: Pathogenic for Leber congenital amaurosis 8. Last evaluated: 2023-04-11. Review status: criteria provided, single submitter. Criteria: ACMG Guidelines, 2015. Collection method: clinical testing. Allele origin: germline. Affected: no.

Genome-Nilou Lab
Classification: Pathogenic for Pigmented paravenous retinochoroidal atrophy. Last evaluated: 2023-04-11. Review status: criteria provided, single submitter. Criteria: ACMG Guidelines, 2015. Collection method: clinical testing. Allele origin: germline. Affected: no.

NM_201253.3(CRB1):c.2843G>A (p.Cys948Tyr)

Gene: CRB1 (crumbs cell polarity complex component 1; plus strand). Cytogenetic location: 1q31.3.
Variant type: single nucleotide variant.
Coding change: c.2843G>A on transcript NM_201253.3 (MANE Select); coding-DNA position 2843, G replaced by A.
Protein change: p.Cys948Tyr; replaces cysteine 948 with tyrosine.
Molecular consequence: missense variant. On other transcripts: non-coding transcript variant (2), intron variant (1).
Genome position (GRCh38, 1-based): chr1:197,434,706, G>A. VCF-style: chr1-197434706-G-A. GRCh37 (hg19) VCF-style: chr1-197403836-G-A.
Other names: NP_957705.1:p.(Cys948Tyr); c.2507G>A, p.Cys836Tyr (NM_001193640.2); c.2771G>A, p.Cys924Tyr (NM_001257965.2); c.2129-894G>A (NM_001257966.2); short protein forms C948Y, C836Y, C924Y.
Identifiers: ClinVar variation 39614 (VCV000039614.94), dbSNP rs62645748, ClinGen allele CA228022.